The following is an entry in ClinVar:

ClinVar aggregate classification (germline): Benign (0 of 4 stars; one submission).

Conditions:
SLC17A9-related disorder. Also called: SLC17A9-related condition.

Allele frequency attached by ClinVar (database versions not stated): 1000 Genomes Project 0.02536; 1000 Genomes Project 30x 0.02577; TOPMed 0.04284; gnomAD 0.04970; ESP Exome Variant Server 0.05012; ExAC 0.05384.
gnomAD v4.1: 98,541 of 1,610,046 alleles (6.1%); highest among the groups gnomAD compares: Non-Finnish European, 6.9%; 3,380 homozygotes.

Submission:

PreventionGenetics, part of Exact Sciences
Classification: Benign for SLC17A9-related condition. Last evaluated: 2019-04-15. Review status: no assertion criteria provided. Collection method: clinical testing. Allele origin: germline.
Comment: This variant is classified as benign based on ACMG/AMP sequence variant interpretation guidelines (Richards et al. 2015 PMID: 25741868, with internal and published modifications).

NM_022082.4(SLC17A9):c.330C>T (p.Leu110=)

Gene: SLC17A9 (solute carrier family 17 member 9; plus strand). Cytogenetic location: 20q13.33.
Variant type: single nucleotide variant.
Coding change: c.330C>T on transcript NM_022082.4 (MANE Select); coding-DNA position 330, C replaced by T.
Protein change: p.Leu110=; no amino-acid change (leucine 110 retained).
Molecular consequence: synonymous variant.
Genome position (GRCh38, 1-based): chr20:62,957,513, C>T. VCF-style: chr20-62957513-C-T. GRCh37 (hg19) VCF-style: chr20-61588865-C-T.
Other names: c.312C>T, p.Leu104= (NM_001302643.2).
Identifiers: ClinVar variation 3056817 (VCV003056817.2), dbSNP rs76379118, ClinGen allele CA9952852.